The following is an entry in ClinVar:

NM_018191.4(RCBTB1):c.1411A>G (p.Asn471Asp)

Gene: RCBTB1 (RCC1 and BTB domain containing protein 1; minus strand). Cytogenetic location: 13q14.2.
Variant type: single nucleotide variant.
Coding change: c.1411A>G on transcript NM_018191.4 (MANE Select); coding-DNA position 1411, A replaced by G.
Protein change: p.Asn471Asp; replaces asparagine 471 with aspartic acid.
Molecular consequence: missense variant. On other transcripts: non-coding transcript variant (2).
Genome position (GRCh38, 1-based): chr13:49,540,920, T>C on the plus strand (A>G on the coding strand, the complement: RCBTB1 is on the minus strand). VCF-style: chr13-49540920-T-C. GRCh37 (hg19) VCF-style: chr13-50115056-T-C.
Other names: c.1411A>G, p.Asn471Asp (NM_001352500.2, NM_001352501.2, NM_001352502.2 and 2 more transcripts); c.832A>G, p.Asn278Asp (NM_001352506.2); short protein forms N278D, N471D.
Identifiers: ClinVar variation 1395969 (VCV001395969.6), dbSNP rs1431429792, ClinGen allele CA388186667.

ClinVar aggregate classification (germline): Uncertain significance (1 of 4 stars; one submission).

Allele frequency attached by ClinVar (database versions not stated): gnomAD exomes below 0.00001 and 0.00001; TOPMed below 0.00001.
gnomAD v4.1: 3 of 1,613,988 alleles (0.00019%); highest among the groups gnomAD compares: Non-Finnish European, 0.00025%; no homozygotes.

Submission:

Labcorp Genetics (formerly Invitae), Labcorp
Classification: Uncertain significance. Last evaluated: 2021-12-01. Review status: criteria provided, single submitter. Criteria: Invitae Variant Classification Sherloc (09022015). Collection method: clinical testing. Allele origin: germline.
Comment: This sequence change replaces asparagine, which is neutral and polar, with aspartic acid, which is acidic and polar, at codon 471 of the RCBTB1 protein (p.Asn471Asp). This variant is present in population databases (no rsID available, gnomAD 0.0009%). This variant has not been reported in the literature in individuals affected with RCBTB1-related conditions. Algorithms developed to predict the effect of missense changes on protein structure and function are either unavailable or do not agree on the potential impact of this missense change (SIFT: "Deleterious"; PolyPhen-2: "Possibly Damaging"; Align-GVGD: "Class C0"). In summary, the available evidence is currently insufficient to determine the role of this variant in disease. Therefore, it has been classified as a Variant of Uncertain Significance.